The following is an entry in ClinVar:

ClinVar aggregate classification (germline): Uncertain significance (1 of 4 stars; one submission).

Allele frequency attached by ClinVar (database versions not stated): gnomAD 0.00001; TOPMed 0.00002.
gnomAD v4.1: 6 of 1,379,374 alleles (0.00043%); highest among the groups gnomAD compares: African/African-American, 0.0046%; no homozygotes.

Submission:

Labcorp Genetics (formerly Invitae), Labcorp
Classification: Uncertain significance. Last evaluated: 2025-06-12. Review status: criteria provided, single submitter. Criteria: Invitae Variant Classification Sherloc (09022015). Collection method: clinical testing. Allele origin: germline.
Comment: This sequence change replaces serine, which is neutral and polar, with leucine, which is neutral and non-polar, at codon 2934 of the LAMA5 protein (p.Ser2934Leu). This variant is not present in population databases (gnomAD no frequency). This variant has not been reported in the literature in individuals affected with LAMA5-related conditions. ClinVar contains an entry for this variant (Variation ID: 1972810). Invitae Evidence Modeling of protein sequence and biophysical properties (such as structural, functional, and spatial information, amino acid conservation, physicochemical variation, residue mobility, and thermodynamic stability) indicates that this missense variant is expected to disrupt LAMA5 protein function with a positive predictive value of 80%. In summary, the available evidence is currently insufficient to determine the role of this variant in disease. Therefore, it has been classified as a Variant of Uncertain Significance.

NM_005560.6(LAMA5):c.8801C>T (p.Ser2934Leu)

Gene: LAMA5 (laminin subunit alpha 5; minus strand). Cytogenetic location: 20q13.33.
Variant type: single nucleotide variant.
Coding change: c.8801C>T on transcript NM_005560.6 (MANE Select); coding-DNA position 8801, C replaced by T.
Protein change: p.Ser2934Leu; replaces serine 2934 with leucine.
Molecular consequence: missense variant.
Genome position (GRCh38, 1-based): chr20:62,313,242, G>A on the plus strand (C>T on the coding strand, the complement: LAMA5 is on the minus strand). VCF-style: chr20-62313242-G-A. GRCh37 (hg19) VCF-style: chr20-60888298-G-A.
Other names: short protein forms S2934L.
Identifiers: ClinVar variation 1972810 (VCV001972810.5), dbSNP rs1439078405, ClinGen allele CA409543757.